The following is an entry in ClinVar:

NM_001943.5(DSG2):c.1795T>C (p.Cys599Arg)

Gene: DSG2 (desmoglein 2; plus strand). Cytogenetic location: 18q12.1.
Variant type: single nucleotide variant.
Coding change: c.1795T>C on transcript NM_001943.5 (MANE Select); coding-DNA position 1795, T replaced by C.
Protein change: p.Cys599Arg; replaces cysteine 599 with arginine.
Molecular consequence: missense variant.
Genome position (GRCh38, 1-based): chr18:31,538,894, T>C. VCF-style: chr18-31538894-T-C. GRCh37 (hg19) VCF-style: chr18-29118857-T-C.
Other names: p.C599R:TGC>CGC; c.1795T>C (LRG_397t1); short protein forms C599R.
Identifiers: ClinVar variation 199811 (VCV000199811.17), dbSNP rs762413624, ClinGen allele CA021566.
Genomic context (GRCh38, chr18:31,538,894, plus strand): 5'-AGTTGTCCTGAAAAGCAGGTCCTTACACTCACAGTTTGTGAGTGTCTGCATGGCAGCGGC[T>C]GCAGGGAAGCACAGCATGACTCCTATGTGGGCCTGGGACCCGCAGCAATTGCGCTCATGA-3'
Protein context (NP_001934.2, residues 589-609): TVCECLHGSG[Cys599Arg]REAQHDSYVG

ClinVar aggregate classification (germline): Uncertain significance. Review status: criteria provided, multiple submitters, no conflicts (2 of 4 stars). 6 submissions from 6 submitters: Uncertain significance (6). Last evaluated 2025-12-15.

Conditions:
Cardiovascular phenotype. Identifiers: MedGen CN230736.
Cardiomyopathy (CMYO). Also called: Cardiomyopathies. Identifiers: Orphanet 167848, MedGen C0878544, MONDO:0004994, HP:0001638. Inheritance: Various modes of inheritance.
Arrhythmogenic right ventricular dysplasia 10. Also called: ARRHYTHMOGENIC RIGHT VENTRICULAR DYSPLASIA, FAMILIAL, 10; Arrhythmogenic right ventricular dysplasia/cardiomyopathy, type 10; Arrhythmogenic Right Ventricular Dysplasia/Cardiomyopathy10. Identifiers: MedGen C1857777, MONDO:0012434, OMIM 610193.

Allele frequency attached by ClinVar (database versions not stated): gnomAD exomes below 0.00001 and 0.00001; ExAC 0.00001; TOPMed 0.00001.

Submissions (6):

Labcorp Genetics (formerly Invitae), Labcorp
Classification: Uncertain significance for Arrhythmogenic right ventricular dysplasia 10. Last evaluated: 2025-12-15. Review status: criteria provided, single submitter. Criteria: Invitae Variant Classification Sherloc (09022015). Collection method: clinical testing. Allele origin: germline.
Comment: This sequence change replaces cysteine, which is neutral and slightly polar, with arginine, which is basic and polar, at codon 599 of the DSG2 protein (p.Cys599Arg). This variant is present in population databases (rs762413624, gnomAD 0.0009%). This variant has not been reported in the literature in individuals affected with DSG2-related conditions. ClinVar contains an entry for this variant (Variation ID: 199811). Invitae Evidence Modeling of protein sequence and biophysical properties (such as structural, functional, and spatial information, amino acid conservation, physicochemical variation, residue mobility, and thermodynamic stability) has been performed for this missense variant. However, the output from this modeling did not meet the statistical confidence thresholds required to predict the impact of this variant on DSG2 protein function. In summary, the available evidence is currently insufficient to determine the role of this variant in disease. Therefore, it has been classified as a Variant of Uncertain Significance.

Color Diagnostics, LLC DBA Color Health
Classification: Uncertain significance for Cardiomyopathy. Last evaluated: 2024-03-06. Review status: criteria provided, single submitter. Criteria: ACMG Guidelines, 2015. Collection method: clinical testing. Allele origin: germline.
Comment: This missense variant replaces cysteine with arginine at codon 599 of the DSG2 protein. Computational prediction suggests that this variant may have deleterious impact on protein structure and function (internally defined REVEL score threshold >= 0.7, PMID: 27666373). To our knowledge, functional studies have not been reported for this variant. This variant has not been reported in individuals affected with cardiovascular disorders in the literature. This variant has been identified in 1/249172 chromosomes in the general population by the Genome Aggregation Database (gnomAD). The available evidence is insufficient to determine the role of this variant in disease conclusively. Therefore, this variant is classified as a Variant of Uncertain Significance.

Ambry Genetics
Classification: Uncertain significance for Cardiovascular phenotype. Last evaluated: 2024-01-01. Review status: criteria provided, single submitter. Criteria: Ambry Variant Classification Scheme 2023. Collection method: clinical testing. Allele origin: germline.
Comment: The p.C599R variant (also known as c.1795T>C), located in coding exon 12 of the DSG2 gene, results from a T to C substitution at nucleotide position 1795. The cysteine at codon 599 is replaced by arginine, an amino acid with highly dissimilar properties. This amino acid position is conserved. In addition, this alteration is predicted to be deleterious by in silico analysis. Since supporting evidence is limited at this time, the clinical significance of this alteration remains unclear.

Blueprint Genetics
Classification: Uncertain significance. Last evaluated: 2020-07-20. Review status: criteria provided, single submitter. Criteria: ACMG Guidelines, 2015. Collection method: clinical testing. Allele origin: germline.

CHEO Genetics Diagnostic Laboratory, Children's Hospital of Eastern Ontario
Classification: Uncertain significance for Cardiomyopathy. Last evaluated: 2019-03-14. Review status: criteria provided, single submitter. Criteria: ACMG Guidelines, 2015. Collection method: clinical testing. Allele origin: germline.

GeneDx
Classification: Uncertain significance. Last evaluated: 2014-04-22. Review status: criteria provided, single submitter. Criteria: GeneDx Variant Classification (06012015). Collection method: clinical testing. Allele origin: germline. Affected: yes.
Comment: p.Cys599Arg (TGC>CGC): c.1795 T>C in exon 12 of the DSG2 gene (NM_001943.3). The C599R variant has not been published as a mutation or as a benign polymorphism to our knowledge. The C599R variant was not observed in approximately 6,400 individuals of European and African American ancestry in the NHLBI Exome Sequencing Project, indicating it is not a common benign variant in these populations. The C599R variant is a non-conservative amino acid substitution, which is likely to impact secondary protein structure as these residues differ in polarity, charge, size and/or other properties. This substitution occurs at a position that is conserved across species. In silico analysis predicts this variant is probably damaging to the protein structure/function. No missense mutations in nearby residues have been reported in association with ARVC.Therefore, based on the currently available information, it is unclear whether this variant is a pathogenic mutation or a rare benign variant. The variant is found in CARDIOMYOPATHY panel(s).